The following is an entry in ClinVar:

NM_001008216.2(GALE):c.658C>T (p.Arg220Trp)

Gene: GALE (UDP-galactose-4-epimerase; minus strand). Cytogenetic location: 1p36.11.
Variant type: single nucleotide variant.
Coding change: c.658C>T on transcript NM_001008216.2 (MANE Select); coding-DNA position 658, C replaced by T.
Protein change: p.Arg220Trp; replaces arginine 220 with tryptophan.
Molecular consequence: missense variant.
Genome position (GRCh38, 1-based): chr1:23,796,927, G>A on the plus strand (C>T on the coding strand, the complement: GALE is on the minus strand). VCF-style: chr1-23796927-G-A. GRCh37 (hg19) VCF-style: chr1-24123417-G-A.
Other names: c.658C>T, p.Arg220Trp (NM_000403.4, NM_001127621.2); short protein forms R220W.
Identifiers: ClinVar variation 592180 (VCV000592180.17), dbSNP rs764909409, ClinGen allele CA685580.

ClinVar aggregate classification (germline): Conflicting classifications of pathogenicity. Review status: criteria provided, conflicting classifications (1 of 4 stars). 7 submissions from 7 submitters: Likely pathogenic (1); Uncertain significance (6). Last evaluated 2024-12-12.

Conditions:
UDPglucose-4-epimerase deficiency. Also called: Epimerase Deficiency Galactosemia; UDP-GALACTOSE-4-EPIMERASE DEFICIENCY; Galactose epimerase deficiency; GALACTOSEMIA III; GALE DEFICIENCY; UDPglucose 4-Epimerase Deficiency Disease. Identifiers: Orphanet 352, Orphanet 79238, MedGen C0751161, MONDO:0009257, OMIM 230350.
Thrombocytopenia 13, syndromic. Also called: THROMBOCYTOPENIA, AUTOSOMAL RECESSIVE, 13. Identifiers: MedGen C5935599, MONDO:0958333, OMIM 620776.
Inborn genetic diseases. Identifiers: MedGen C0950123, MeSH D030342.

Allele frequency attached by ClinVar (database versions not stated): ExAC 0.00001; gnomAD 0.00001; gnomAD exomes 0.00001 and 0.00002; TOPMed 0.00004.
gnomAD v4.1: 23 of 1,613,332 alleles (0.0014%); highest among the groups gnomAD compares: Admixed American, 0.0067%; no homozygotes.

Submissions (7):

Labcorp Genetics (formerly Invitae), Labcorp
Classification: Uncertain significance for UDPglucose-4-epimerase deficiency. Last evaluated: 2024-12-12. Review status: criteria provided, single submitter. Criteria: Invitae Variant Classification Sherloc (09022015). Collection method: clinical testing. Allele origin: germline.
Comment: This sequence change replaces arginine, which is basic and polar, with tryptophan, which is neutral and slightly polar, at codon 220 of the GALE protein (p.Arg220Trp). This variant is present in population databases (rs764909409, gnomAD 0.005%). This missense change has been observed in individual(s) with epimerase deficiency galactosemia (PMID: 23430501, 36056436). ClinVar contains an entry for this variant (Variation ID: 592180). Invitae Evidence Modeling of protein sequence and biophysical properties (such as structural, functional, and spatial information, amino acid conservation, physicochemical variation, residue mobility, and thermodynamic stability) indicates that this missense variant is expected to disrupt GALE protein function with a positive predictive value of 80%. In summary, the available evidence is currently insufficient to determine the role of this variant in disease. Therefore, it has been classified as a Variant of Uncertain Significance.

Fulgent Genetics
Classification: Likely pathogenic for UDPglucose-4-epimerase deficiency; Thrombocytopenia 13, syndromic. Last evaluated: 2024-04-18. Review status: criteria provided, single submitter. Criteria: ACMG Guidelines, 2015. Collection method: clinical testing. Allele origin: germline.

Women's Health and Genetics/Laboratory Corporation of America, LabCorp
Classification: Uncertain significance. Last evaluated: 2023-07-10. Review status: criteria provided, single submitter. Criteria: LabCorp Variant Classification Summary - May 2015. Collection method: clinical testing. Allele origin: germline.
Comment: Variant summary: GALE c.658C>T (p.Arg220Trp) results in a non-conservative amino acid change located in the NAD(P)-binding domain (IPR 016040) of the encoded protein sequence. Five of five in-silico tools predict a damaging effect of the variant on protein function. The variant allele was found at a frequency of 1.6e-05 in 249592 control chromosomes (gnomAD). The available data on variant occurrences in the general population are insufficient to allow any conclusion about variant significance. c.658C>T has been reported in the literature in the presumed homozygous state (father not available for confirmatory testing) in a pair of monozygotic twins who were suspected of UDPglucose-4-Epimerase Deficiency based on elevation of total galactose during initial newborn screening and variable GALE enzyme activity, jaundice and failure to thrive in early follow-up; however, both children had multiple concurrent abnormalities, including severe vitamin D-deficiency rickets and Williams syndrome, and by 18 months they tolerated normal diets (Liu_2013). Therefore, this report does not provide unequivocal conclusions about association of the variant with UDPglucose-4-Epimerase Deficiency. Functional experiments in patient lymphoblasts and in yeast expressing the variant found a marginally lowered GALE activity, with the most pronounced variant effect resulting in >50% of normal activity (Liu_2013). The following publication has been ascertained in the context of this evaluation (PMID: 23430501). Three submitters have cited clinical-significance assessments for this variant to ClinVar after 2014 and all classified the variant as uncertain significance. Based on the evidence outlined above, the variant was classified as uncertain significance.

Ambry Genetics
Classification: Uncertain significance for Inborn genetic diseases. Last evaluated: 2022-02-01. Review status: criteria provided, single submitter. Criteria: Ambry Variant Classification Scheme 2023. Collection method: clinical testing. Allele origin: germline.

GeneDx
Classification: Uncertain significance. Last evaluated: 2021-02-23. Review status: criteria provided, single submitter. Criteria: GeneDx Variant Classification Process June 2021. Collection method: clinical testing. Allele origin: germline. Affected: yes.
Comment: In silico analysis supports that this missense variant has a deleterious effect on protein structure/function; This variant is associated with the following publications: (PMID: 23644136, 23430501)

Eurofins Ntd Llc (ga)
Classification: Uncertain significance. Last evaluated: 2018-07-13. Review status: criteria provided, single submitter. Criteria: EGL ClinVar v180209 classification definitions. Collection method: clinical testing. Allele origin: germline. Observed: 4 variant alleles, 1 heterozygote, 3 homozygotes.

Breakthrough Genomics
Classification: Uncertain significance. Review status: criteria provided, single submitter. Criteria: ACMG Guidelines, 2015. Collection method: not provided. Allele origin: germline. Inheritance: Autosomal recessive inheritance. Affected: yes.

Literature cited by the submitters: PubMed 23430501 (cited by 3 submitters); PubMed 36056436 (cited by Labcorp Genetics (formerly Invitae), Labcorp).